The following is an entry in ClinVar:

NM_007327.4(GRIN1):c.1572G>T (p.Ala524=)

Gene: GRIN1 (glutamate ionotropic receptor NMDA type subunit 1; plus strand). Cytogenetic location: 9q34.3.
Variant type: single nucleotide variant.
Coding change: c.1572G>T on transcript NM_007327.4 (MANE Select); coding-DNA position 1572, G replaced by T.
Protein change: p.Ala524=; no amino-acid change (alanine 524 retained).
Molecular consequence: synonymous variant.
Genome position (GRCh38, 1-based): chr9:137,162,028, G>T. VCF-style: chr9-137162028-G-T. GRCh37 (hg19) VCF-style: chr9-140056480-G-T.
Other names: c.1572G>T, p.Ala524= (NM_000832.7, NM_021569.4); c.1635G>T, p.Ala545= (NM_001185090.2, NM_001185091.2).
Identifiers: ClinVar variation 1104630 (VCV001104630.23), dbSNP rs1235059175, ClinGen allele CA467777220.

ClinVar aggregate classification (germline): Likely benign. Review status: criteria provided, multiple submitters, no conflicts (2 of 4 stars). 2 submissions from 2 submitters: Likely benign (2). Last evaluated 2026-01-01.

Conditions:
Neurodevelopmental disorder with or without hyperkinetic movements and seizures, autosomal dominant. Also called: Intellectual disability, autosomal dominant 8. Identifiers: MedGen C3280282, MONDO:0013655, OMIM 614254.

Allele frequency attached by ClinVar (database versions not stated): gnomAD 0.00001; gnomAD exomes 0.00001; TOPMed 0.00001.

Submissions (2):

CeGaT Center for Human Genetics Tuebingen
Classification: Likely benign. Last evaluated: 2026-01-01. Review status: criteria provided, single submitter. Criteria: CeGaT Center For Human Genetics Tuebingen Variant Classification Criteria Version 2. Collection method: clinical testing. Allele origin: germline. Affected: yes. Observed: 2 variant alleles.
Comment: GRIN1: BP4, BP7

Labcorp Genetics (formerly Invitae), Labcorp
Classification: Likely benign for Neurodevelopmental disorder with or without hyperkinetic movements and seizures, autosomal dominant. Last evaluated: 2020-03-19. Review status: criteria provided, single submitter. Criteria: Invitae Variant Classification Sherloc (09022015). Collection method: clinical testing. Allele origin: germline.